The following is an entry in ClinVar:

NM_003392.7(WNT5A):c.767T>C (p.Leu256Pro)

Gene: WNT5A (Wnt family member 5A; minus strand). Cytogenetic location: 3p14.3.
Variant type: single nucleotide variant.
Coding change: c.767T>C on transcript NM_003392.7 (MANE Select); coding-DNA position 767, T replaced by C.
Protein change: p.Leu256Pro; replaces leucine 256 with proline.
Molecular consequence: missense variant.
Genome position (GRCh38, 1-based): chr3:55,470,468, A>G on the plus strand (T>C on the coding strand, the complement: WNT5A is on the minus strand). VCF-style: chr3-55470468-A-G. GRCh37 (hg19) VCF-style: chr3-55504496-A-G.
Other names: c.722T>C, p.Leu241Pro (NM_001256105.1, NM_001377271.1, NM_001377272.1); short protein forms L256P, L241P.
Identifiers: ClinVar variation 4995491 (VCV004995491.1).
Genomic context (GRCh38, chr3:55,470,468, plus strand): 5'-ATGGCCGCCGCGCTGTCGTACTTCTCCTTCAGGGCATCACCCACCTTGCGGAAGTCTGCC[A>G]GCTGCAGCCAGCATGTCTTCAGGCTACATGAGCCGGACACCCCATGGCACTTGCAGGCCA-3'
Protein context (NP_003383.4, residues 246-266): SCSLKTCWLQ[Leu256Pro]ADFRKVGDAL

ClinVar aggregate classification (germline): Uncertain significance (1 of 4 stars; one submission).

Conditions:
WNT5A-related disorder. Also called: WNT5A-related condition.

Submission:

PreventionGenetics, part of Exact Sciences
Classification: Uncertain significance for WNT5A-related condition. Last evaluated: 2025-11-24. Review status: criteria provided, single submitter. Criteria: ACMG Guidelines, 2015. Collection method: clinical testing. Allele origin: germline.
Comment: The WNT5A c.767T>C variant is predicted to result in the amino acid substitution p.Leu256Pro. To our knowledge, this variant has not been reported in the literature or in a large population database (gnomAD), indicating this variant is rare. At this time, the clinical significance of this variant is uncertain due to the absence of conclusive functional and genetic evidence.